The following is an entry in ClinVar:

ClinVar aggregate classification (germline): Benign/Likely benign. Review status: criteria provided, multiple submitters, no conflicts (2 of 4 stars). 3 submissions from 3 submitters: Benign (1); Likely benign (2). Last evaluated 2026-01-19.

Conditions:
KRT17-related disorder. Also called: KRT17-related condition.

Allele frequency attached by ClinVar (database versions not stated): 1000 Genomes Project 30x 0.00187; 1000 Genomes Project 0.00200; ESP Exome Variant Server 0.00200; gnomAD 0.00210 and 0.00219; TOPMed 0.00232; ExAC 0.00114; gnomAD exomes 0.00126 and 0.00171.
gnomAD v4.1: 2,826 of 1,613,974 alleles (0.18%); highest among the groups gnomAD compares: Admixed American, 0.33%; 4 homozygotes.

Submissions (3):

PreventionGenetics, part of Exact Sciences
Classification: Likely benign for KRT17-related condition. Last evaluated: 2026-01-19. Review status: criteria provided, single submitter. Criteria: ACMG Guidelines, 2015. Collection method: clinical testing. Allele origin: germline.
Comment: This variant is classified as likely benign based on ACMG/AMP sequence variant interpretation guidelines (Richards et al. 2015 PMID: 25741868, with internal and published modifications).

Labcorp Genetics (formerly Invitae), Labcorp
Classification: Benign. Last evaluated: 2025-10-03. Review status: criteria provided, single submitter. Criteria: Invitae Variant Classification Sherloc (09022015). Collection method: clinical testing. Allele origin: germline.

Blueprint Genetics
Classification: Likely benign. Last evaluated: 2024-10-09. Review status: criteria provided, single submitter. Criteria: ACMG Guidelines, 2015. Collection method: clinical testing. Allele origin: germline.

NM_000422.3(KRT17):c.903G>A (p.Ser301=)

Gene: KRT17 (keratin 17; minus strand). Cytogenetic location: 17q21.2.
Variant type: single nucleotide variant.
Coding change: c.903G>A on transcript NM_000422.3 (MANE Select); coding-DNA position 903, G replaced by A.
Protein change: p.Ser301=; no amino-acid change (serine 301 retained).
Molecular consequence: synonymous variant.
Genome position (GRCh38, 1-based): chr17:41,621,023, C>T on the plus strand (G>A on the coding strand, the complement: KRT17 is on the minus strand). VCF-style: chr17-41621023-C-T. GRCh37 (hg19) VCF-style: chr17-39777275-C-T.
Identifiers: ClinVar variation 719519 (VCV000719519.11), dbSNP rs148958331, ClinGen allele CA8563565.